The following is an entry in ClinVar:

ClinVar aggregate classification (germline): Uncertain significance (1 of 4 stars; one submission).

Submission:

Labcorp Genetics (formerly Invitae), Labcorp
Classification: Uncertain significance. Last evaluated: 2025-09-30. Review status: criteria provided, single submitter. Criteria: Invitae Variant Classification Sherloc (09022015). Collection method: clinical testing. Allele origin: germline.
Comment: This sequence change falls in intron 18 of the COMP gene. It does not directly change the encoded amino acid sequence of the COMP protein. It affects a nucleotide within the consensus splice site. This variant is not present in population databases (gnomAD no frequency). This variant has not been reported in the literature in individuals affected with COMP-related conditions. Variants that disrupt the consensus splice site are a relatively common cause of aberrant splicing (PMID: 17576681, 9536098). Algorithms developed to predict the effect of sequence changes on RNA splicing suggest that this variant may disrupt the consensus splice site. In summary, the available evidence is currently insufficient to determine the role of this variant in disease. Therefore, it has been classified as a Variant of Uncertain Significance.

Literature cited by the submitters: PubMed 17576681; PubMed 9536098.

NM_000095.3(COMP):c.2227+1G>A

Gene: COMP (cartilage oligomeric matrix protein; minus strand). Cytogenetic location: 19p13.11.
Variant type: single nucleotide variant.
Coding change: c.2227+1G>A on transcript NM_000095.3 (MANE Select); the canonical splice donor site of the intron after coding-DNA position 2227, G replaced by A.
Molecular consequence: splice donor variant.
Genome position (GRCh38, 1-based): chr19:18,783,053, C>T on the plus strand (G>A on the coding strand, the complement: COMP is on the minus strand). VCF-style: chr19-18783053-C-T. GRCh37 (hg19) VCF-style: chr19-18893863-C-T.
Identifiers: ClinVar variation 4810808 (VCV004810808.1).